The following is an entry in ClinVar:

ClinVar aggregate classification (germline): Uncertain significance (1 of 4 stars; one submission).

Conditions:
Familial thoracic aortic aneurysm and aortic dissection (TAAD). Also called: Thoracic aortic aneurysms and dissections. Identifiers: Orphanet 91387, MedGen C4707243, MONDO:0019625.

gnomAD v4.1: 2 of 1,614,194 alleles (0.00012%); highest among the groups gnomAD compares: Non-Finnish European, 0.00017%; no homozygotes.

Submission:

Labcorp Genetics (formerly Invitae), Labcorp
Classification: Uncertain significance for Familial thoracic aortic aneurysm and aortic dissection. Last evaluated: 2024-07-13. Review status: criteria provided, single submitter. Criteria: Invitae Variant Classification Sherloc (09022015). Collection method: clinical testing. Allele origin: germline.
Comment: This sequence change replaces leucine, which is neutral and non-polar, with proline, which is neutral and non-polar, at codon 121 of the TGFBR1 protein (p.Leu121Pro). This variant is not present in population databases (gnomAD no frequency). This variant has not been reported in the literature in individuals affected with TGFBR1-related conditions. Advanced modeling of protein sequence and biophysical properties (such as structural, functional, and spatial information, amino acid conservation, physicochemical variation, residue mobility, and thermodynamic stability) performed at Invitae indicates that this missense variant is not expected to disrupt TGFBR1 protein function with a negative predictive value of 95%. In summary, the available evidence is currently insufficient to determine the role of this variant in disease. Therefore, it has been classified as a Variant of Uncertain Significance.

NM_004612.4(TGFBR1):c.362T>C (p.Leu121Pro)

Gene: TGFBR1 (transforming growth factor beta receptor 1; plus strand). Cytogenetic location: 9q22.33.
Variant type: single nucleotide variant.
Coding change: c.362T>C on transcript NM_004612.4 (MANE Select); coding-DNA position 362, T replaced by C.
Protein change: p.Leu121Pro; replaces leucine 121 with proline.
Molecular consequence: missense variant. On other transcripts: non-coding transcript variant (4), intron variant (3).
Genome position (GRCh38, 1-based): chr9:99,132,527, T>C. VCF-style: chr9-99132527-T-C. GRCh37 (hg19) VCF-style: chr9-101894809-T-C.
Other names: c.374T>C, p.Leu125Pro (NM_001306210.2, NM_001407416.1); c.362T>C, p.Leu121Pro (NM_001407417.1, NM_001407435.1); c.167T>C, p.Leu56Pro (NM_001407418.1, NM_001407419.1, NM_001407420.1 and 1 more transcripts); c.155T>C, p.Leu52Pro (NM_001407423.1, NM_001407424.1, NM_001407425.1 and 8 more transcripts); c.116T>C, p.Leu39Pro (NM_001407436.1); c.343+3427T>C (NM_001130916.3); c.98-5332T>C (NM_001407438.1); c.98-10009T>C (NM_001407437.1); short protein forms L121P, L56P, L125P, L39P, L52P.
Identifiers: ClinVar variation 3635874 (VCV003635874.2).